The following is an entry in ClinVar:

NM_001080414.4(CCDC88C):c.973G>T (p.Val325Leu)

Gene: CCDC88C (coiled-coil and HOOK domain protein 88C; minus strand). Cytogenetic location: 14q32.11.
Variant type: single nucleotide variant.
Coding change: c.973G>T on transcript NM_001080414.4 (MANE Select); coding-DNA position 973, G replaced by T.
Protein change: p.Val325Leu; replaces valine 325 with leucine.
Molecular consequence: missense variant.
Genome position (GRCh38, 1-based): chr14:91,338,082, C>A on the plus strand (G>T on the coding strand, the complement: CCDC88C is on the minus strand). VCF-style: chr14-91338082-C-A. GRCh37 (hg19) VCF-style: chr14-91804426-C-A.
Other names: p.Val325Leu; c.973G>T (NM_001080414.3); short protein forms V325L.
Identifiers: ClinVar variation 2056711 (VCV002056711.35), dbSNP rs200244690, ClinGen allele CA7310034.

ClinVar aggregate classification (germline): Conflicting classifications of pathogenicity. Review status: criteria provided, conflicting classifications (1 of 4 stars). 6 submissions from 6 submitters: Uncertain significance (1); Likely benign (4). 1 of the submissions does not count toward it. Last evaluated 2026-02-01.

Conditions:
CCDC88C-related disorder. Also called: CCDC88C-Related Disorders; CCDC88C-related condition.
Intellectual disability. Also called: intellectual disabilities; Intellectual developmental disorder; Intellectual functioning disability. Identifiers: MedGen C3714756, MeSH D008607, MONDO:0001071, HP:0001249.

Allele frequency attached by ClinVar (database versions not stated): ESP Exome Variant Server 0.00016; 1000 Genomes Project 30x 0.00078; 1000 Genomes Project 0.00100.
gnomAD v4.1: 802 of 1,613,912 alleles (0.05%); highest among the groups gnomAD compares: Middle Eastern, 0.68%; 4 homozygotes.

Submissions (6):

CeGaT Center for Human Genetics Tuebingen
Classification: Likely benign. Last evaluated: 2026-02-01. Review status: criteria provided, single submitter. Criteria: CeGaT Center For Human Genetics Tuebingen Variant Classification Criteria Version 2. Collection method: clinical testing. Allele origin: germline. Affected: yes. Observed: 3 variant alleles.
Comment: CCDC88C: BS2

Labcorp Genetics (formerly Invitae), Labcorp
Classification: Likely benign. Last evaluated: 2026-01-26. Review status: criteria provided, single submitter. Criteria: Invitae Variant Classification Sherloc (09022015). Collection method: clinical testing. Allele origin: germline.

Mayo Clinic Laboratories, Mayo Clinic
Classification: Likely benign. Last evaluated: 2025-09-05. Review status: criteria provided, single submitter. Criteria: ACMG Guidelines, 2015. Collection method: clinical testing. Allele origin: germline. Observed: 1 variant allele.
Comment: BA1

Blueprint Genetics
Classification: Likely benign. Last evaluated: 2024-11-21. Review status: criteria provided, single submitter. Criteria: ACMG Guidelines, 2015. Collection method: clinical testing. Allele origin: germline.

Cambridge Genomics Laboratory, East Genomic Laboratory Hub, NHS Genomic Medicine Service
Classification: Uncertain significance for Intellectual disability. Last evaluated: 2019-08-28. Review status: criteria provided, single submitter. Criteria: ACGS Best Practice Guidelines for Variant Classification in Rare Disease 2020. Collection method: clinical testing. Allele origin: germline. Affected: yes. Observed: 1 variant allele.

PreventionGenetics, part of Exact Sciences
Classification: Likely benign for CCDC88C-related condition. Last evaluated: 2024-05-30. Review status: no assertion criteria provided. Collection method: clinical testing. Allele origin: germline. Not counted in ClinVar's aggregate classification.
Comment: This variant is classified as likely benign based on ACMG/AMP sequence variant interpretation guidelines (Richards et al. 2015 PMID: 25741868, with internal and published modifications).

Literature cited by the submitters: PubMed 25456301 (cited by Mayo Clinic Laboratories, Mayo Clinic).